The following is an entry in ClinVar:

ClinVar aggregate classification (germline): Uncertain significance (1 of 4 stars; one submission).

Submission:

Labcorp Genetics (formerly Invitae), Labcorp
Classification: Uncertain significance. Last evaluated: 2023-04-12. Review status: criteria provided, single submitter. Criteria: Invitae Variant Classification Sherloc (09022015). Collection method: clinical testing. Allele origin: germline.
Comment: In summary, the available evidence is currently insufficient to determine the role of this variant in disease. Therefore, it has been classified as a Variant of Uncertain Significance. This variant has not been reported in the literature in individuals affected with CLCN6-related conditions. This variant is not present in population databases (gnomAD no frequency). This variant, c.2038_2055dup, results in the insertion of 6 amino acid(s) of the CLCN6 protein (p.Ser680_Glu685dup), but otherwise preserves the integrity of the reading frame.

NM_001286.5(CLCN6):c.2038_2055dup (p.Glu685_Leu686insSerTyrProSerSerGlu)

Gene: CLCN6 (chloride voltage-gated channel 6; plus strand). Cytogenetic location: 1p36.22.
Variant type: Duplication.
Coding change: c.2038_2055dup on transcript NM_001286.5 (MANE Select); coding-DNA positions 2038 to 2055, 18 bases duplicated (TCCTACCCATCCAGCGAG).
Protein change: p.Glu685_Leu686insSerTyrProSerSerGlu.
Molecular consequence: inframe insertion. On other transcripts: non-coding transcript variant (1).
Genome position (GRCh38, 1-based): chr1:11,837,056-11,837,073, TCCTACCCATCCAGCGAG duplicated; duplicating any 18 consecutive bases within chr1:11,837,054-11,837,073 gives the same sequence; the c. name uses the placement nearest the transcript's 3' end. VCF-style (leftmost placement, unchanged base first): chr1-11837053-A-AAGTCCTACCCATCCAGCG. GRCh37 (hg19) VCF-style: chr1-11897110-A-AAGTCCTACCCATCCAGCG.
Other names: c.1972_1989dup, p.Glu663_Leu664insSerTyrProSerSerGlu (NM_001256959.2).
Identifiers: ClinVar variation 2980165 (VCV002980165.3), dbSNP rs2523169862, ClinGen allele CA2643311324.
Genomic context (GRCh38, chr1:11,837,053, plus strand): 5'-CCACAGAAATCCAGCATCCTCACCCGGGCTGGCGAGCAGCGCAAACGGAGCCAGTCCATG[A>AAGTCCTACCCATCCAGCG]AGTCCTACCCATCCAGCGAGCTACGGAACATGTGTGATGAGCACATCGCCTCTGAGGAGC-3'